The following is an entry in ClinVar:

NM_004304.5(ALK):c.3067+5G>A

Gene: ALK (ALK receptor tyrosine kinase; minus strand). Cytogenetic location: 2p23.2.
Variant type: single nucleotide variant.
Coding change: c.3067+5G>A on transcript NM_004304.5 (MANE Select); 5 bases into the intron after coding-DNA position 3067, G replaced by A.
Molecular consequence: intron variant.
Genome position (GRCh38, 1-based): chr2:29,226,917, C>T on the plus strand (G>A on the coding strand, the complement: ALK is on the minus strand). VCF-style: chr2-29226917-C-T. GRCh37 (hg19) VCF-style: chr2-29449783-C-T.
Identifiers: ClinVar variation 4761376 (VCV004761376.1).

ClinVar aggregate classification (germline): Uncertain significance (1 of 4 stars; one submission).

Conditions:
Neuroblastoma, susceptibility to, 3. Also called: ALK-Related Neuroblastic Tumor Susceptibility. Identifiers: Orphanet 635, MedGen C2751681, MONDO:0013083, OMIM 613014.

Submission:

Labcorp Genetics (formerly Invitae), Labcorp
Classification: Uncertain significance for Neuroblastoma, susceptibility to, 3. Last evaluated: 2025-08-18. Review status: criteria provided, single submitter. Criteria: Invitae Variant Classification Sherloc (09022015). Collection method: clinical testing. Allele origin: germline.
Comment: This sequence change falls in intron 18 of the ALK gene. It does not directly change the encoded amino acid sequence of the ALK protein. It affects a nucleotide within the consensus splice site. This variant is not present in population databases (gnomAD no frequency). This variant has not been reported in the literature in individuals affected with ALK-related conditions. Variants that disrupt the consensus splice site are a relatively common cause of aberrant splicing (PMID: 17576681, 9536098). Algorithms developed to predict the effect of sequence changes on RNA splicing suggest that this variant is not likely to affect RNA splicing. In summary, the available evidence is currently insufficient to determine the role of this variant in disease. Therefore, it has been classified as a Variant of Uncertain Significance.

Literature cited by the submitters: PubMed 17576681; PubMed 9536098.